The following is an entry in ClinVar:

NM_172240.3(POC1B):c.140T>C (p.Phe47Ser)

Genes: POC1B (POC1 centriolar protein B; minus strand), POC1B-DUSP6 (POC1B-DUSP6 readthrough; minus strand). Cytogenetic location: 12q21.33.
Variant type: single nucleotide variant.
Coding change: c.140T>C on transcript NM_172240.3 (MANE Select); coding-DNA position 140, T replaced by C.
Protein change: p.Phe47Ser; replaces phenylalanine 47 with serine.
Molecular consequence: missense variant.
Genome position (GRCh38, 1-based): chr12:89,497,303, A>G on the plus strand (T>C on the coding strand, the complement: POC1B is on the minus strand). VCF-style: chr12-89497303-A-G. GRCh37 (hg19) VCF-style: chr12-89891080-A-G.
Other names: c.140T>C (NM_172240.2); c.14T>C, p.Phe5Ser (NM_001199777.2); short protein forms F47S, F5S.
Identifiers: ClinVar variation 1011622 (VCV001011622.7), dbSNP rs749361904, ClinGen allele CA6714599.

ClinVar aggregate classification (germline): Uncertain significance. Review status: criteria provided, multiple submitters, no conflicts (2 of 4 stars). 2 submissions from 2 submitters: Uncertain significance (2). Last evaluated 2021-11-12.

Conditions:
Inborn genetic diseases. Identifiers: MedGen C0950123, MeSH D030342.

Allele frequency attached by ClinVar (database versions not stated): gnomAD exomes 0.00001; ExAC 0.00002; gnomAD 0.00001; TOPMed 0.00001.
gnomAD v4.1: 12 of 1,612,826 alleles (0.00074%); highest among the groups gnomAD compares: Non-Finnish European, 0.00093%; no homozygotes.

Submissions (2):

Ambry Genetics
Classification: Uncertain significance for Inborn genetic diseases. Last evaluated: 2021-11-12. Review status: criteria provided, single submitter. Criteria: Ambry Variant Classification Scheme 2023. Collection method: clinical testing. Allele origin: germline.

Labcorp Genetics (formerly Invitae), Labcorp
Classification: Uncertain significance. Last evaluated: 2020-08-31. Review status: criteria provided, single submitter. Criteria: Invitae Variant Classification Sherloc (09022015). Collection method: clinical testing. Allele origin: germline.
Comment: Algorithms developed to predict the effect of missense changes on protein structure and function are either unavailable or do not agree on the potential impact of this missense change (SIFT: "Deleterious"; PolyPhen-2: "Benign"; Align-GVGD: "Class C55"). In summary, the available evidence is currently insufficient to determine the role of this variant in disease. Therefore, it has been classified as a Variant of Uncertain Significance. This variant has not been reported in the literature in individuals with POC1B-related conditions. This variant is present in population databases (rs749361904, ExAC 0.001%). This sequence change replaces phenylalanine with serine at codon 47 of the POC1B protein (p.Phe47Ser). The phenylalanine residue is moderately conserved and there is a large physicochemical difference between phenylalanine and serine.